The following is an entry in ClinVar:

NM_015202.5(KATNIP):c.2161G>T (p.Val721Leu)

Gene: KATNIP (katanin interacting protein; plus strand). Cytogenetic location: 16p12.1.
Variant type: single nucleotide variant.
Coding change: c.2161G>T on transcript NM_015202.5 (MANE Select); coding-DNA position 2161, G replaced by T.
Protein change: p.Val721Leu; replaces valine 721 with leucine.
Molecular consequence: missense variant.
Genome position (GRCh38, 1-based): chr16:27,740,458, G>T. VCF-style: chr16-27740458-G-T. GRCh37 (hg19) VCF-style: chr16-27751779-G-T.
Other names: short protein forms V721L.
Identifiers: ClinVar variation 3367873 (VCV003367873.1).
Genomic context (GRCh38, chr16:27,740,458, plus strand): 5'-CTGTCGGCAGTCCCCACTTCGATGGGTGACATGCCCAGTGCTCCTGCCACTTCCCCACCT[G>T]TGAAGTGCCCTCCTGTCCATGAGGAGCCCTCTCTCATCCAACAACTGGAAAACCTCATGG-3'
Protein context (NP_056017.4, residues 711-731): MPSAPATSPP[Val721Leu]KCPPVHEEPS

ClinVar aggregate classification (germline): Uncertain significance (1 of 4 stars; one submission).

gnomAD v4.1: 1 of 1,614,100 alleles (0.000062%); highest among the groups gnomAD compares: Admixed American, 0.0017%; no homozygotes.

Submission:

GeneDx
Classification: Uncertain significance. Last evaluated: 2024-01-16. Review status: criteria provided, single submitter. Criteria: GeneDx Variant Classification Process June 2021. Collection method: clinical testing. Allele origin: germline. Affected: yes.
Comment: Not observed at significant frequency in large population cohorts (gnomAD); In silico analysis supports that this missense variant does not alter protein structure/function; Has not been previously published as pathogenic or benign to our knowledge